The following is an entry in ClinVar:

ClinVar aggregate classification (germline): Uncertain significance (1 of 4 stars; one submission).

Conditions:
RASopathy. Also called: Noonan spectrum disorder; rasopathies. Identifiers: Orphanet 536391, MedGen C5555857, MONDO:0021060.

Submission:

Labcorp Genetics (formerly Invitae), Labcorp
Classification: Uncertain significance for RASopathy. Last evaluated: 2019-03-14. Review status: criteria provided, single submitter. Criteria: Invitae Variant Classification Sherloc (09022015). Collection method: clinical testing. Allele origin: germline.
Comment: In summary, the available evidence is currently insufficient to determine the role of this variant in disease. Therefore, it has been classified as a Variant of Uncertain Significance. This variant has not been reported in the literature in individuals with MAP2K1-related conditions. This variant results in a copy number gain of the genomic region encompassing exons 1-5 of the MAP2K1 gene. The 5' end of this event is unknown as it extends beyond the assayed region for this gene and therefore may encompass additional genes. The 3' boundary is likely confined to intron 5 of the MAP2K1 gene. As the precise location of this event is unknown, it may be in tandem or it may be located elsewhere in the genome.

NC_000015.10:g.(?_66387328)_(66444727_?)dup

Gene: MAP2K1 (mitogen-activated protein kinase kinase 1; plus strand). Cytogenetic location: 15q22.31.
Variant type: Duplication.
Identifiers: ClinVar variation 831657 (VCV000831657.6).